The following is an entry in ClinVar:

ClinVar aggregate classification (germline): Uncertain significance (1 of 4 stars; one submission).

Conditions:
Arrhythmogenic cardiomyopathy with wooly hair and keratoderma. Also called: Carvajal syndrome; PALMOPLANTAR KERATODERMA WITH LEFT VENTRICULAR CARDIOMYOPATHY AND WOOLLY HAIR; Dilated cardiomyopathy with woolly hair and keratoderma; Arrhythmogenic cardiomyopathy with woolly hair and keratoderma. Identifiers: Orphanet 65282, MedGen C1854063, MONDO:0011581, OMIM 605676.

gnomAD v4.1: 4 of 1,614,104 alleles (0.00025%); highest among the groups gnomAD compares: Non-Finnish European, 0.00034%; no homozygotes.

Submission:

All of Us Research Program, National Institutes of Health
Classification: Uncertain significance for Arrhythmogenic cardiomyopathy with wooly hair and keratoderma. Last evaluated: 2024-09-23. Review status: criteria provided, single submitter. Criteria: ACMG Guidelines, 2015. Collection method: clinical testing. Allele origin: germline. Inheritance: Autosomal dominant inheritance. Observed: 1 variant allele, 1 heterozygote.
Comment: This study involves interpretation of variants in research participants for the purpose of population health screening. Participant phenotype was not available at the time of variant classification. Additional details can be found in publication PMID: 35346344, PMCID: PMC8962531

NM_004415.4(DSP):c.3826C>G (p.Gln1276Glu)

Gene: DSP (desmoplakin; plus strand). Cytogenetic location: 6p24.3.
Variant type: single nucleotide variant.
Coding change: c.3826C>G on transcript NM_004415.4 (MANE Select); coding-DNA position 3826, C replaced by G.
Protein change: p.Gln1276Glu; replaces glutamine 1276 with glutamic acid.
Molecular consequence: missense variant. On other transcripts: intron variant (1).
Genome position (GRCh38, 1-based): chr6:7,580,016, C>G. VCF-style: chr6-7580016-C-G. GRCh37 (hg19) VCF-style: chr6-7580249-C-G.
Other names: c.3826C>G, p.Gln1276Glu (NM_001319034.2); c.3582+244C>G (NM_001008844.3); short protein forms Q1276E.
Identifiers: ClinVar variation 3386668 (VCV003386668.1).